The following is an entry in ClinVar:

ClinVar aggregate classification (germline): Conflicting classifications of pathogenicity. Review status: criteria provided, conflicting classifications (1 of 4 stars). 4 submissions from 4 submitters: Uncertain significance (3); Likely benign (1). Last evaluated 2026-04-15.

Conditions:
Neonatal-onset encephalopathy with rigidity and seizures. Also called: Lethal neonatal spasticity-epileptic encephalopathy syndrome. Identifiers: Orphanet 435845, MedGen C3281029, MONDO:0013784, OMIM 614498.
Inborn genetic diseases. Identifiers: MedGen C0950123, MeSH D030342.

Allele frequency attached by ClinVar (database versions not stated): gnomAD exomes 0.00007 and 0.00008; ESP Exome Variant Server 0.00008; gnomAD 0.00009; TOPMed 0.00010; ExAC 0.00006.
gnomAD v4.1: 122 of 1,609,640 alleles (0.0076%); highest among the groups gnomAD compares: Non-Finnish European, 0.0096%; no homozygotes.

Submissions (4):

Ambry Genetics
Classification: Likely benign for Inborn genetic diseases. Last evaluated: 2026-04-15. Review status: criteria provided, single submitter. Criteria: Ambry Variant Classification Scheme 2023. Collection method: clinical testing. Allele origin: germline.

GeneDx
Classification: Uncertain significance. Last evaluated: 2024-07-16. Review status: criteria provided, single submitter. Criteria: GeneDx Variant Classification Process June 2021. Collection method: clinical testing. Allele origin: germline. Affected: yes.
Comment: Not observed at significant frequency in large population cohorts (gnomAD); In silico analysis indicates that this missense variant does not alter protein structure/function; Has not been previously published as pathogenic or benign to our knowledge

Labcorp Genetics (formerly Invitae), Labcorp
Classification: Uncertain significance for Neonatal-onset encephalopathy with rigidity and seizures. Last evaluated: 2022-03-19. Review status: criteria provided, single submitter. Criteria: Invitae Variant Classification Sherloc (09022015). Collection method: clinical testing. Allele origin: germline.
Comment: This sequence change replaces alanine, which is neutral and non-polar, with valine, which is neutral and non-polar, at codon 774 of the BRAT1 protein (p.Ala774Val). This variant is present in population databases (rs372230882, gnomAD 0.01%). This variant has not been reported in the literature in individuals affected with BRAT1-related conditions. ClinVar contains an entry for this variant (Variation ID: 658393). Algorithms developed to predict the effect of missense changes on protein structure and function are either unavailable or do not agree on the potential impact of this missense change (SIFT: "Tolerated"; PolyPhen-2: "Probably Damaging"; Align-GVGD: "Class C0"). In summary, the available evidence is currently insufficient to determine the role of this variant in disease. Therefore, it has been classified as a Variant of Uncertain Significance.

Breakthrough Genomics
Classification: Uncertain significance. Review status: criteria provided, single submitter. Criteria: ACMG Guidelines, 2015. Collection method: not provided. Allele origin: germline. Inheritance: Autosomal recessive inheritance. Affected: yes.

NM_152743.4(BRAT1):c.2321C>T (p.Ala774Val)

Gene: BRAT1 (BRCA1 associated ATM activator 1; minus strand). Cytogenetic location: 7p22.3.
Variant type: single nucleotide variant.
Coding change: c.2321C>T on transcript NM_152743.4 (MANE Select); coding-DNA position 2321, C replaced by T.
Protein change: p.Ala774Val; replaces alanine 774 with valine.
Molecular consequence: missense variant. On other transcripts: non-coding transcript variant (1).
Genome position (GRCh38, 1-based): chr7:2,538,214, G>A on the plus strand (C>T on the coding strand, the complement: BRAT1 is on the minus strand). VCF-style: chr7-2538214-G-A. GRCh37 (hg19) VCF-style: chr7-2577848-G-A.
Other names: c.2501C>T, p.Ala834Val (NM_001350626.2); c.1796C>T, p.Ala599Val (NM_001350627.2); short protein forms A774V, A834V, A599V.
Identifiers: ClinVar variation 658393 (VCV000658393.13), dbSNP rs372230882, ClinGen allele CA4127391.